The following is an entry in ClinVar:

ClinVar aggregate classification (germline): Uncertain significance (1 of 4 stars; one submission).

Conditions:
COPA-related disorder. Also called: COPA-related condition.

gnomAD v4.1: 2 of 1,613,850 alleles (0.00012%); highest among the groups gnomAD compares: Non-Finnish European, 0.00017%; no homozygotes.

Submission:

PreventionGenetics, part of Exact Sciences
Classification: Uncertain significance for COPA-related condition. Last evaluated: 2026-03-24. Review status: criteria provided, single submitter. Criteria: ACMG Guidelines, 2015. Collection method: clinical testing. Allele origin: germline.
Comment: The COPA c.1532A>G variant is predicted to result in the amino acid substitution p.His511Arg. To our knowledge, this variant has not been reported in the literature. This variant is reported in 0.00088% of alleles in individuals of European (Non-Finnish) descent in gnomAD. At this time, the clinical significance of this variant is uncertain due to the absence of conclusive functional and genetic evidence.

NM_004371.4(COPA):c.1529-24A>G

Gene: COPA (coat protein complex I subunit alpha; minus strand). Cytogenetic location: 1q23.2.
Variant type: single nucleotide variant.
Coding change: c.1529-24A>G on transcript NM_004371.4 (MANE Select); 24 bases into the intron before coding-DNA position 1529, A replaced by G.
Molecular consequence: intron variant. On other transcripts: missense variant (1).
Genome position (GRCh38, 1-based): chr1:160,305,595, T>C on the plus strand (A>G on the coding strand, the complement: COPA is on the minus strand). VCF-style: chr1-160305595-T-C. GRCh37 (hg19) VCF-style: chr1-160275385-T-C.
Other names: c.1532A>G, p.His511Arg (NM_001098398.2); short protein forms H511R.
Identifiers: ClinVar variation 4986212 (VCV004986212.1).